The following is an entry in ClinVar:

ClinVar aggregate classification (germline): Uncertain significance (1 of 4 stars; one submission).

Conditions:
Early-infantile DEE. Also called: Ohtahara syndrome; Early infantile epileptic encephalopathy; Early infantile epileptic encephalopathy with suppression bursts. Identifiers: Orphanet 1934, MedGen C0393706, MONDO:0800491.

Submission:

Labcorp Genetics (formerly Invitae), Labcorp
Classification: Uncertain significance for Early-infantile DEE. Last evaluated: 2024-05-15. Review status: criteria provided, single submitter. Criteria: Invitae Variant Classification Sherloc (09022015). Collection method: clinical testing. Allele origin: germline.
Comment: This sequence change falls in intron 20 of the SCN1A gene. It does not directly change the encoded amino acid sequence of the SCN1A protein. However, this sequence change falls within a region encompassing a cryptic exon in the SCN1A gene, in which variants have been shown to alter splicing (PMID: 30526861, 34107977). This variant is not present in population databases (gnomAD no frequency). This variant has not been reported in the literature in individuals affected with SCN1A-related conditions. ClinVar contains an entry for this variant (Variation ID: 1648274). Algorithms developed to predict the effect of sequence changes on RNA splicing suggest that this variant is not likely to affect RNA splicing. In summary, the available evidence is currently insufficient to determine the role of this variant in disease. Therefore, it has been classified as a Variant of Uncertain Significance.

Literature cited by the submitters: PubMed 30526861; PubMed 34107977.

NM_001165963.4(SCN1A):c.4002+2623T>C

Genes: SCN1A (sodium voltage-gated channel alpha subunit 1; minus strand), LOC102724058 (uncharacterized LOC102724058; plus strand). Cytogenetic location: 2q24.3.
Variant type: single nucleotide variant.
Coding change: c.4002+2623T>C on transcript NM_001165963.4 (MANE Select); 2623 bases into the intron after coding-DNA position 4002, T replaced by C.
Molecular consequence: intron variant.
Genome position (GRCh38, 1-based): chr2:166,007,096, A>G on the plus strand (T>C on the coding strand, the complement: SCN1A is on the minus strand). VCF-style: chr2-166007096-A-G. GRCh37 (hg19) VCF-style: chr2-166863606-A-G.
Other names: c.3969+2623T>C (NM_001353949.2, NM_001353950.2, NM_001353951.2 and 2 more transcripts); c.3918+2623T>C (NM_001353958.2, NM_001353957.2, NM_001165964.3); c.4002+2623T>C (NM_001202435.3, NM_001353948.2); c.3966+2623T>C (NM_001353955.2, NM_001353954.2); c.3915+2623T>C (NM_001353960.2); c.1560+2623T>C (NM_001353961.2).
Identifiers: ClinVar variation 1648274 (VCV001648274.9), dbSNP rs2105545931, ClinGen allele CA2573133054.